The following is an entry in ClinVar:

ClinVar aggregate classification (germline): Pathogenic (1 of 4 stars; one submission).

Conditions:
Familial adenomatous polyposis 1 (FAP1). Also called: POLYPOSIS, ADENOMATOUS INTESTINAL; FAMILIAL ADENOMATOUS POLYPOSIS 1, ATTENUATED. Identifiers: MedGen C2713442, MONDO:0021056, OMIM 175100. Disease mechanism: loss of function.

Submission:

Labcorp Genetics (formerly Invitae), Labcorp
Classification: Pathogenic for Familial adenomatous polyposis 1. Last evaluated: 2023-05-24. Review status: criteria provided, single submitter. Criteria: Invitae Variant Classification Sherloc (09022015). Collection method: clinical testing. Allele origin: germline.
Comment: For these reasons, this variant has been classified as Pathogenic. This sequence change creates a premature translational stop signal (p.Leu752Cysfs*2) in the APC gene. While this is not anticipated to result in nonsense mediated decay, it is expected to disrupt the last 2092 amino acid(s) of the APC protein. This variant is not present in population databases (gnomAD no frequency). This variant has not been reported in the literature in individuals affected with APC-related conditions. A different truncation (p.Tyr2645Lysfs*14) that lies downstream of this variant has been determined to be pathogenic (PMID: 9824584, 1316610, 27081525, 8381579, 22135120, Invitae). This suggests that deletion of this region of the APC protein is causative of disease. This variant is expected to disrupt the EB1 and HDLG binding sites, which mediate interactions with the cytoskeleton (PMID: 15311282, 17293347). While functional studies have not been performed to directly test the effect on APC protein function, this suggests that disruption of the C-terminal portion of the protein is functionally important.

Literature cited by the submitters: PubMed 9824584; PubMed 1316610; PubMed 27081525; PubMed 8381579; PubMed 22135120; PubMed 15311282; PubMed 17293347.

NM_000038.6(APC):c.2253_2257del (p.Leu752fs)

Gene: APC (APC regulator of Wnt signaling pathway; plus strand). Cytogenetic location: 5q22.2.
Variant type: Deletion.
Coding change: c.2253_2257del on transcript NM_000038.6 (MANE Select); coding-DNA positions 2253 to 2257, 5 bases deleted (TCTTC; older notation c.2253_2257delTCTTC).
Protein change: p.Leu752fs; shifts the reading frame from leucine 752.
Molecular consequence: frameshift variant. On other transcripts: non-coding transcript variant (2).
Genome position (GRCh38, 1-based): chr5:112,837,847-112,837,851, TCTTC deleted; deleting any 5 consecutive bases within chr5:112,837,845-112,837,851 gives the same sequence; the c. name uses the placement nearest the transcript's 3' end. VCF-style (leftmost placement, unchanged base first): chr5-112837844-ATCTCT-A. GRCh37 (hg19) VCF-style: chr5-112173541-ATCTCT-A.
Other names: c.2130_2134del, p.Leu711fs (NM_001354900.2); c.2076_2080del, p.Leu693fs (NM_001354901.2, NM_001407453.1); c.1980_1984del, p.Leu661fs (NM_001354902.2); c.1950_1954del, p.Leu651fs (NM_001354903.2, NM_001407458.1, NM_001407459.1 and 1 more transcripts); c.1875_1879del, p.Leu626fs (NM_001354904.2); c.1773_1777del, p.Leu592fs (NM_001354905.2); c.1404_1408del, p.Leu469fs (NM_001354906.2, NM_001407470.1); c.2337_2341del, p.Leu780fs (NM_001407446.1); and 11 more; short protein forms L669fs, L711fs, L693fs, L727fs, L734fs, L745fs, L368fs, L469fs.
Identifiers: ClinVar variation 2703128 (VCV002703128.3), dbSNP rs2533407781, ClinGen allele CA2697546206.
Genomic context (GRCh38, chr5:112,837,844, plus strand): 5'-GGCAAATAGGCCTGCGAAGTACAAGGATGCCAATATTATGTCTCCTGGCTCAAGCTTGCC[ATCTCT>A]TCATGTTAGGAAACAAAAAGCCCTAGAAGCAGAATTAGATGCTCAGCACTTATCAGAAAC-3'